The following is an entry in ClinVar:

ClinVar aggregate classification (germline): Uncertain significance. Review status: criteria provided, multiple submitters, no conflicts (2 of 4 stars). 2 submissions from 2 submitters: Uncertain significance (2). Last evaluated 2025-12-29.

Allele frequency attached by ClinVar (database versions not stated): gnomAD exomes 0.00001; TOPMed 0.00004.
gnomAD v4.1: 21 of 1,613,632 alleles (0.0013%); highest among the groups gnomAD compares: Admixed American, 0.017%; no homozygotes.

Submissions (2):

Labcorp Genetics (formerly Invitae), Labcorp
Classification: Uncertain significance. Last evaluated: 2025-12-29. Review status: criteria provided, single submitter. Criteria: Invitae Variant Classification Sherloc (09022015). Collection method: clinical testing. Allele origin: germline.
Comment: This sequence change replaces arginine, which is basic and polar, with glutamine, which is neutral and polar, at codon 530 of the DNM1L protein (p.Arg530Gln). This variant is present in population databases (rs748215133, gnomAD 0.02%). This missense change has been observed in individual(s) with clinical features of DNM1L-related conditions (internal data). ClinVar contains an entry for this variant (Variation ID: 1509278). An algorithm developed to predict the effect of missense changes on protein structure and function (PolyPhen-2) suggests that this variant is likely to be tolerated. In summary, the available evidence is currently insufficient to determine the role of this variant in disease. Therefore, it has been classified as a Variant of Uncertain Significance.

Blueprint Genetics
Classification: Uncertain significance. Last evaluated: 2022-06-13. Review status: criteria provided, single submitter. Criteria: ACMG Guidelines, 2015. Collection method: clinical testing. Allele origin: germline.

NM_012062.5(DNM1L):c.1589G>A (p.Arg530Gln)

Gene: DNM1L (dynamin 1L; plus strand). Cytogenetic location: 12p11.21.
Variant type: single nucleotide variant.
Coding change: c.1589G>A on transcript NM_012062.5 (MANE Select); coding-DNA position 1589, G replaced by A.
Protein change: p.Arg530Gln; replaces arginine 530 with glutamine.
Molecular consequence: missense variant.
Genome position (GRCh38, 1-based): chr12:32,737,154, G>A. VCF-style: chr12-32737154-G-A. GRCh37 (hg19) VCF-style: chr12-32890088-G-A.
Other names: c.1589G>A, p.Arg530Gln (NM_001278463.2, NM_005690.5, NM_012063.4); c.1628G>A, p.Arg543Gln (NM_001278464.2, NM_001278465.2, NM_001330380.2); c.980G>A, p.Arg327Gln (NM_001278466.2); short protein forms R530Q, R327Q, R543Q.
Identifiers: ClinVar variation 1509278 (VCV001509278.7), dbSNP rs748215133, ClinGen allele CA6507592.